The following is an entry in ClinVar:

NM_198578.4(LRRK2):c.1004A>G (p.Asn335Ser)

Gene: LRRK2 (leucine rich repeat kinase 2; plus strand). Cytogenetic location: 12q12.
Variant type: single nucleotide variant.
Coding change: c.1004A>G on transcript NM_198578.4 (MANE Select); coding-DNA position 1004, A replaced by G.
Protein change: p.Asn335Ser; replaces asparagine 335 with serine.
Molecular consequence: missense variant.
Genome position (GRCh38, 1-based): chr12:40,251,277, A>G. VCF-style: chr12-40251277-A-G. GRCh37 (hg19) VCF-style: chr12-40645079-A-G.
Other names: short protein forms N335S.
Identifiers: ClinVar variation 3229496 (VCV003229496.1), dbSNP rs989570613, ClinGen allele CA235357364.

ClinVar aggregate classification (germline): Uncertain significance (1 of 4 stars; one submission).

Conditions:
Inborn genetic diseases. Identifiers: MedGen C0950123, MeSH D030342.

Allele frequency attached by ClinVar (database versions not stated): gnomAD 0.00001; TOPMed 0.00001.
gnomAD v4.1: 1 of 1,611,188 alleles (0.000062%); highest among the groups gnomAD compares: Non-Finnish European, 0.000085%; no homozygotes.

Submission:

Ambry Genetics
Classification: Uncertain significance for Inborn genetic diseases. Last evaluated: 2023-12-14. Review status: criteria provided, single submitter. Criteria: Ambry Variant Classification Scheme 2023. Collection method: clinical testing. Allele origin: germline.
Comment: The p.N335S variant (also known as c.1004A>G), located in coding exon 9 of the LRRK2 gene, results from an A to G substitution at nucleotide position 1004. The asparagine at codon 335 is replaced by serine, an amino acid with highly similar properties. This amino acid position is conserved. In addition, this alteration is predicted to be tolerated by in silico analysis. Since supporting evidence is limited at this time, the clinical significance of this alteration remains unclear.